The following is an entry in ClinVar:

ClinVar aggregate classification (germline): Uncertain significance. Review status: criteria provided, single submitter (1 of 4 stars). 2 submissions from 2 submitters: Uncertain significance (1). 1 of the submissions does not count toward it. Last evaluated 2024-10-17.

Conditions:
Idiopathic generalized epilepsy. Also called: Generalised epilepsy; EIG. Identifiers: MedGen C0270850, MONDO:0005579, OMIM 600669.
Self-limited epilepsy with centrotemporal spikes. Also called: Childhood epilepsy with centrotemporal spikes; Rolandic epilepsy. Identifiers: Orphanet 1945, MedGen C0376532, MONDO:0007295.

Submissions (2):

Labcorp Genetics (formerly Invitae), Labcorp
Classification: Uncertain significance for Idiopathic generalized epilepsy. Last evaluated: 2024-10-17. Review status: criteria provided, single submitter. Criteria: Invitae Variant Classification Sherloc (09022015). Collection method: clinical testing. Allele origin: germline.
Comment: This variant, c.1042_1047del, results in the deletion of 2 amino acid(s) of the RBFOX1 protein (p.Ala348_Ala349del), but otherwise preserves the integrity of the reading frame. This variant is present in population databases (no rsID available, gnomAD 0.003%). This variant has been observed in individual(s) with rolandic epilepsy (PMID: 24039908). This variant is also known as c.893_898delCTGCCG (p.A299_A300del). ClinVar contains an entry for this variant (Variation ID: 433120). Experimental studies and prediction algorithms are not available or were not evaluated, and the functional significance of this variant is currently unknown. In summary, the available evidence is currently insufficient to determine the role of this variant in disease. Therefore, it has been classified as a Variant of Uncertain Significance.

Bioinformatics Core, Luxembourg Center for Systems Biomedicine
Classification: Pathogenic for Self-limited epilepsy with centrotemporal spikes. Last evaluated: 2017-01-01. Review status: no assertion criteria provided. Collection method: case-control. Allele origin: germline. Affected: yes. Study: EUROEPINOMICS COGIE. Not counted in ClinVar's aggregate classification.

Literature cited by the submitters: PubMed 24039908 (cited by Labcorp Genetics (formerly Invitae), Labcorp); PubMed 29358611 (cited by Bioinformatics Core, Luxembourg Center for Systems Biomedicine).

NM_018723.4(RBFOX1):c.979_984del (p.Ala327_Ala328del)

Gene: RBFOX1 (RNA binding fox-1 homolog 1; plus strand). Cytogenetic location: 16p13.3.
Variant type: Deletion.
Coding change: c.979_984del on transcript NM_018723.4 (MANE Select); coding-DNA positions 979 to 984, 6 bases deleted (GCTGCC; older notation c.979_984delGCTGCC).
Protein change: p.Ala327_Ala328del.
Molecular consequence: inframe deletion.
Genome position (GRCh38, 1-based): chr16:7,676,822-7,676,827, GCTGCC deleted; deleting any 6 consecutive bases within chr16:7,676,817-7,676,827 gives the same sequence; the c. name uses the placement nearest the transcript's 3' end. VCF-style (leftmost placement, unchanged base first): chr16-7676816-ACTGCCG-A. GRCh37 (hg19) VCF-style: chr16-7726818-ACTGCCG-A.
Other names: c.898_903del, p.Ala300_Ala301del (NM_001142333.2); c.979_984del, p.Ala327_Ala328del (NM_001142334.2, NM_001364800.2); c.1108_1113del, p.Ala370_Ala371del (NM_001308117.1); c.1042_1047del, p.Ala348_Ala349del (NM_145891.3, NM_145892.3, NM_145893.3); c.1108_1113delGCTGCC (NM_001308117.1).
Identifiers: ClinVar variation 433120 (VCV000433120.4), dbSNP rs974157467, ClinGen allele CA277424215.